The following is an entry in ClinVar:

NM_015311.3(OBSL1):c.4484G>A (p.Arg1495His)

Gene: OBSL1 (obscurin like cytoskeletal adaptor 1; minus strand). Cytogenetic location: 2q35.
Variant type: single nucleotide variant.
Coding change: c.4484G>A on transcript NM_015311.3 (MANE Select); coding-DNA position 4484, G replaced by A.
Protein change: p.Arg1495His; replaces arginine 1495 with histidine.
Molecular consequence: missense variant.
Genome position (GRCh38, 1-based): chr2:219,556,145, C>T on the plus strand (G>A on the coding strand, the complement: OBSL1 is on the minus strand). VCF-style: chr2-219556145-C-T. GRCh37 (hg19) VCF-style: chr2-220420867-C-T.
Other names: c.4484G>A, p.Arg1495His (NM_001173431.2); short protein forms R1495H.
Identifiers: ClinVar variation 895987 (VCV000895987.12), dbSNP rs374911539, ClinGen allele CA2130527.

ClinVar aggregate classification (germline): Uncertain significance. Review status: criteria provided, multiple submitters, no conflicts (2 of 4 stars). 4 submissions from 4 submitters: Uncertain significance (4). Last evaluated 2026-06-04.

Conditions:
3M syndrome 2. Also called: 3-M Syndrome, OBSL1-Related; THREE M SYNDROME 2. Identifiers: Orphanet 2616, MedGen C2752041, MONDO:0013039, OMIM 612921.
Inborn genetic diseases. Identifiers: MedGen C0950123, MeSH D030342.

Allele frequency attached by ClinVar (database versions not stated): ESP Exome Variant Server 0.00008; gnomAD 0.00027 and 0.00029; TOPMed 0.00034.
gnomAD v4.1: 400 of 1,613,726 alleles (0.025%); highest among the groups gnomAD compares: Admixed American, 0.055%; no homozygotes.

Submissions (4):

Women's Health and Genetics/Laboratory Corporation of America, LabCorp
Classification: Uncertain significance. Last evaluated: 2026-06-04. Review status: criteria provided, single submitter. Criteria: LabCorp Variant Classification Summary - May 2015. Collection method: clinical testing. Allele origin: germline.
Comment: Variant summary: OBSL1 c.4484G>A (p.Arg1495His) results in a non-conservative amino acid change in the encoded protein sequence. Algorithms developed to predict the effect of missense changes on protein structure and function are either unavailable or do not agree on the potential impact of this missense change. The variant allele was found at a frequency of 0.00017 in 247806 control chromosomes. This frequency is not significantly higher than estimated for disease-causing variants in OBSL1, allowing no conclusion about variant significance. To our knowledge, no occurrence of c.4484G>A in individuals affected with OBSL1-related conditions and no experimental evidence demonstrating its impact on protein function have been reported. ClinVar contains an entry for this variant (Variation ID: 895987). Based on the evidence outlined above, the variant was classified as uncertain significance.

Labcorp Genetics (formerly Invitae), Labcorp
Classification: Uncertain significance. Last evaluated: 2025-01-05. Review status: criteria provided, single submitter. Criteria: Invitae Variant Classification Sherloc (09022015). Collection method: clinical testing. Allele origin: germline.
Comment: This sequence change replaces arginine, which is basic and polar, with histidine, which is basic and polar, at codon 1495 of the OBSL1 protein (p.Arg1495His). This variant is present in population databases (rs374911539, gnomAD 0.05%). This variant has not been reported in the literature in individuals affected with OBSL1-related conditions. ClinVar contains an entry for this variant (Variation ID: 895987). An algorithm developed to predict the effect of missense changes on protein structure and function outputs the following: PolyPhen-2: "Benign". The histidine amino acid residue is found in multiple mammalian species, which suggests that this missense change does not adversely affect protein function. In summary, the available evidence is currently insufficient to determine the role of this variant in disease. Therefore, it has been classified as a Variant of Uncertain Significance.

Ambry Genetics
Classification: Uncertain significance for Inborn genetic diseases. Last evaluated: 2021-09-16. Review status: criteria provided, single submitter. Criteria: Ambry Variant Classification Scheme 2023. Collection method: clinical testing. Allele origin: germline.

Illumina Laboratory Services, Illumina
Classification: Uncertain significance for 3M syndrome 2. Last evaluated: 2018-01-15. Review status: criteria provided, single submitter. Criteria: ICSL Variant Classification Criteria 13 December 2019. Collection method: clinical testing. Allele origin: germline.